The following is an entry in ClinVar:

ClinVar aggregate classification (germline): Likely benign (1 of 4 stars; one submission).

Submission:

CeGaT Center for Human Genetics Tuebingen
Classification: Likely benign. Last evaluated: 2025-01-01. Review status: criteria provided, single submitter. Criteria: CeGaT Center For Human Genetics Tuebingen Variant Classification Criteria Version 2. Collection method: clinical testing. Allele origin: germline. Affected: yes. Observed: 1 variant allele.
Comment: TOX2: PM2:Supporting, BP4, BP7

NM_001098797.2(TOX2):c.1107C>G (p.Ser369=)

Gene: TOX2 (TOX high mobility group box family member 2; plus strand). Cytogenetic location: 20q13.12.
Variant type: single nucleotide variant.
Coding change: c.1107C>G on transcript NM_001098797.2 (MANE Select); coding-DNA position 1107, C replaced by G.
Protein change: p.Ser369=; no amino-acid change (serine 369 retained).
Molecular consequence: synonymous variant.
Genome position (GRCh38, 1-based): chr20:44,065,858, C>G. VCF-style: chr20-44065858-C-G. GRCh37 (hg19) VCF-style: chr20-42694498-C-G.
Other names: c.981C>G, p.Ser327= (NM_001098796.2, NM_032883.3); c.1053C>G, p.Ser351= (NM_001098798.2).
Identifiers: ClinVar variation 3771902 (VCV003771902.13).